The following is an entry in ClinVar:

ClinVar aggregate classification (germline): Conflicting classifications of pathogenicity. Review status: criteria provided, conflicting classifications (1 of 4 stars). 2 submissions from 2 submitters: Uncertain significance (1); Likely benign (1). Last evaluated 2025-12-21.

Conditions:
Rhabdoid tumor predisposition syndrome 2 (RTPS2). Identifiers: Orphanet 231108, Orphanet 69077, MedGen C2750074, MONDO:0013224, OMIM 613325.

Allele frequency attached by ClinVar (database versions not stated): TOPMed 0.00004; gnomAD 0.00006.
gnomAD v4.1: 11 of 1,582,274 alleles (0.0007%); highest among the groups gnomAD compares: Admixed American, 0.018%; no homozygotes.

Submissions (2):

Labcorp Genetics (formerly Invitae), Labcorp
Classification: Likely benign for Rhabdoid tumor predisposition syndrome 2. Last evaluated: 2025-12-21. Review status: criteria provided, single submitter. Criteria: Invitae Variant Classification Sherloc (09022015). Collection method: clinical testing. Allele origin: germline.

GeneDx
Classification: Uncertain significance. Last evaluated: 2025-02-20. Review status: criteria provided, single submitter. Criteria: GeneDx Variant Classification Process June 2021. Collection method: clinical testing. Allele origin: germline. Affected: yes.
Comment: In silico analysis indicates that this variant does not alter splicing; Has not been previously published as pathogenic or benign to our knowledge

NM_003072.5(SMARCA4):c.4171-1748G>A

Gene: SMARCA4 (SWI/SNF related BAF chromatin remodeling complex subunit ATPase 4; plus strand). Cytogenetic location: 19p13.2.
Variant type: single nucleotide variant.
Coding change: c.4171-1748G>A on transcript NM_003072.5 (MANE Select); 1748 bases into the intron before coding-DNA position 4171, G replaced by A.
Molecular consequence: intron variant.
Genome position (GRCh38, 1-based): chr19:11,039,559, G>A. VCF-style: chr19-11039559-G-A. GRCh37 (hg19) VCF-style: chr19-11150235-G-A.
Other names: c.4171-1748G>A (NM_001128844.3); c.4266+6G>A (NM_001128849.3, NM_001387283.1); c.4072-1748G>A (NM_001128847.4, NM_001374457.1, NM_001128848.2); c.4072-1739G>A (NM_001128845.2, NM_001128846.2).
Identifiers: ClinVar variation 408698 (VCV000408698.14), dbSNP rs773006531, ClinGen allele CA9204648.